The following is an entry in ClinVar:

ClinVar aggregate classification (germline): Uncertain significance (1 of 4 stars; one submission).

Submission:

Women's Health and Genetics/Laboratory Corporation of America, LabCorp
Classification: Uncertain significance. Last evaluated: 2025-12-31. Review status: criteria provided, single submitter. Criteria: LabCorp Variant Classification Summary - May 2015. Collection method: clinical testing. Allele origin: germline.
Comment: Variant summary: SCN9A c.2072A>T (p.Glu691Val) results in a non-conservative amino acid change in the encoded protein sequence. Algorithms developed to predict the effect of missense changes on protein structure and function all suggest that this variant is likely to be disruptive. Consensus agreement among computation tools predict no significant impact on normal splicing. However, these predictions have yet to be confirmed by functional studies. The variant was absent in 174024 control chromosomes. The available data on variant occurrences in the general population are insufficient to allow any conclusion about variant significance. To our knowledge, no occurrence of c.2072A>T in individuals affected with SCN9A-related conditions and no experimental evidence demonstrating its impact on protein function have been reported. No submitters have cited clinical-significance assessments for this variant to ClinVar. Based on the evidence outlined above, the variant was classified as uncertain significance.

NM_001365536.1(SCN9A):c.2105A>T (p.Glu702Val)

Genes: SCN1A-AS1 (SCN1A and SCN9A antisense RNA 1; plus strand), SCN9A (sodium voltage-gated channel alpha subunit 9; minus strand). Cytogenetic location: 2q24.3.
Variant type: single nucleotide variant.
Coding change: c.2105A>T on transcript NM_001365536.1 (MANE Select); coding-DNA position 2105, A replaced by T.
Protein change: p.Glu702Val; replaces glutamic acid 702 with valine.
Molecular consequence: missense variant.
Genome position (GRCh38, 1-based): chr2:166,280,595, T>A on the plus strand (A>T on the coding strand, the complement: SCN9A is on the minus strand). VCF-style: chr2-166280595-T-A. GRCh37 (hg19) VCF-style: chr2-167137105-T-A.
Other names: c.2072A>T, p.Glu691Val (NM_002977.4); short protein forms E691V, E702V.
Identifiers: ClinVar variation 4688894 (VCV004688894.1).